The following is an entry in ClinVar:

ClinVar aggregate classification (germline): Uncertain significance (1 of 4 stars; one submission).

Conditions:
Cardiovascular phenotype. Identifiers: MedGen CN230736.

gnomAD v4.1: 1 of 1,611,220 alleles (0.000062%); highest among the groups gnomAD compares: Non-Finnish European, 0.000085%; no homozygotes.

Submission:

Ambry Genetics
Classification: Uncertain significance for Cardiovascular phenotype. Last evaluated: 2023-04-14. Review status: criteria provided, single submitter. Criteria: Ambry Variant Classification Scheme 2023. Collection method: clinical testing. Allele origin: germline.
Comment: The p.M50I variant (also known as c.150G>A), located in coding exon 1 of the PLN gene, results from a G to A substitution at nucleotide position 150. The methionine at codon 50 is replaced by isoleucine, an amino acid with highly similar properties. This amino acid position is conserved. In addition, this alteration is predicted to be deleterious by in silico analysis. Since supporting evidence is limited at this time, the clinical significance of this alteration remains unclear.

NM_002667.5(PLN):c.150G>A (p.Met50Ile)

Genes: CEP85L (centrosomal protein 85 like; minus strand), PLN (phospholamban; plus strand). Cytogenetic location: 6q22.31.
Variant type: single nucleotide variant.
Coding change: c.150G>A on transcript NM_002667.5 (MANE Select); coding-DNA position 150, G replaced by A.
Protein change: p.Met50Ile; replaces methionine 50 with isoleucine.
Molecular consequence: missense variant. On other transcripts: intron variant (3).
Genome position (GRCh38, 1-based): chr6:118,559,071, G>A. VCF-style: chr6-118559071-G-A. GRCh37 (hg19) VCF-style: chr6-118880234-G-A.
Other names: c.1029+6458C>T (NM_001178035.2); c.1020+6458C>T (NM_001042475.3, NM_206921.3); short protein forms M50I.
Identifiers: ClinVar variation 2566092 (VCV002566092.2), dbSNP rs2534334328, ClinGen allele CA365546778.